The following is an entry in ClinVar:

ClinVar aggregate classification (germline): Pathogenic (1 of 4 stars; one submission).

Conditions:
Hereditary breast ovarian cancer syndrome. Also called: Hereditary breast and ovarian cancer syndrome (HBOC); Hereditary breast and/or ovarian cancer syndrome; Hereditary breast and ovarian cancer; BRCA1- and BRCA2-Associated Hereditary Breast and Ovarian Cancer; Hereditary breast and ovarian cancer syndrome; Breast and ovarian cancer. Identifiers: Orphanet 145, MedGen C0677776, MeSH D061325, MONDO:0003582. Disease mechanism: loss of function.

Submission:

Labcorp Genetics (formerly Invitae), Labcorp
Classification: Pathogenic for Hereditary breast ovarian cancer syndrome. Last evaluated: 2020-03-11. Review status: criteria provided, single submitter. Criteria: Invitae Variant Classification Sherloc (09022015). Collection method: clinical testing. Allele origin: germline.
Comment: Loss-of-function variants in BRCA2 are known to be pathogenic (PMID: 20104584). For these reasons, this variant has been classified as Pathogenic. This variant has not been reported in the literature in individuals with BRCA2-related conditions. This variant is not present in population databases (ExAC no frequency). This sequence change creates a premature translational stop signal (p.Asn1742Thrfs*35) in the BRCA2 gene. It is expected to result in an absent or disrupted protein product.

Literature cited by the submitters: PubMed 20104584.

NM_000059.4(BRCA2):c.5225del (p.Asn1742fs)

Gene: BRCA2 (BRCA2 DNA repair associated; plus strand). Cytogenetic location: 13q13.1.
Variant type: Deletion.
Coding change: c.5225del on transcript NM_000059.4 (MANE Select); coding-DNA position 5225, one base deleted (A; older notation c.5225delA).
Protein change: p.Asn1742fs; shifts the reading frame from asparagine 1742.
Molecular consequence: frameshift variant.
Genome position (GRCh38, 1-based): chr13:32,339,580, A deleted; the last of 2 consecutive A bases (chr13:32,339,579-32,339,580); deleting either gives the same sequence. VCF-style (leftmost placement, unchanged base first): chr13-32339578-TA-T. GRCh37 (hg19) VCF-style: chr13-32913715-TA-T.
Other names: short protein forms N1742fs.
Identifiers: ClinVar variation 1073804 (VCV001073804.7), dbSNP rs2137515325, ClinGen allele CA2499222191.